The following is an entry in ClinVar:

NM_001243133.2(NLRP3):c.2860C>T (p.His954Tyr)

Gene: NLRP3 (NLR family pyrin domain containing 3; plus strand). Cytogenetic location: 1q44.
Variant type: single nucleotide variant.
Coding change: c.2860C>T on transcript NM_001243133.2 (MANE Select); coding-DNA position 2860, C replaced by T.
Protein change: p.His954Tyr; replaces histidine 954 with tyrosine.
Molecular consequence: missense variant.
Genome position (GRCh38, 1-based): chr1:247,444,676, C>T. VCF-style: chr1-247444676-C-T. GRCh37 (hg19) VCF-style: chr1-247607978-C-T.
Other names: c.2860C>T, p.His954Tyr (NM_001079821.3); c.2689C>T, p.His897Tyr (NM_001127461.3, NM_001127462.3); c.2866C>T, p.His956Tyr (NM_004895.5); c.2518C>T, p.His840Tyr (NM_183395.3); short protein forms H897Y, H840Y, H954Y, H956Y.
Identifiers: ClinVar variation 2145633 (VCV002145633.7), dbSNP rs372087108, ClinGen allele CA1495383.
Genomic context (GRCh38, chr1:247,444,676, plus strand): 5'-GGGGACATTTTCTTTAAATCACCCCCTTTTTGCAGATTAGACAACTGCAACCTCACGTCA[C>T]ACTGCTGCTGGGATCTTTCCACACTTCTGACCTCCAGCCAGAGCCTGCGAAAGCTGAGCC-3'
Protein context (NP_001230062.1, residues 944-964): LELDNCNLTS[His954Tyr]CCWDLSTLLT

ClinVar aggregate classification (germline): Uncertain significance. Review status: criteria provided, multiple submitters, no conflicts (2 of 4 stars). 4 submissions from 4 submitters: Uncertain significance (4). Last evaluated 2026-01-29.

Conditions:
Inborn genetic diseases. Identifiers: MedGen C0950123, MeSH D030342.
Chronic infantile neurological, cutaneous and articular syndrome (CINCA). Also called: CHRONIC NEUROLOGIC CUTANEOUS AND ARTICULAR SYNDROME; CINCA syndrome; Prieur Griscelli syndrome; CRYOPYRIN-ASSOCIATED PERIODIC SYNDROME 3. Identifiers: Orphanet 1451, MedGen C0409818, MONDO:0011776, OMIM 607115.
Hearing loss, autosomal dominant 34, with or without inflammation. Also called: DEAFNESS, AUTOSOMAL DOMINANT 34, WITH OR WITHOUT INFLAMMATION. Identifiers: MedGen C4521680, MONDO:0033261, OMIM 617772.
Familial cold autoinflammatory syndrome 1 (FCAS1). Also called: CRYOPYRIN-ASSOCIATED PERIODIC SYNDROME 1; Familial cold inflammatory syndrome 1. Identifiers: Orphanet 47045, MedGen C4551895, MONDO:0007349, OMIM 120100.
Keratitis fugax hereditaria. Also called: KERATOENDOTHELIITIS FUGAX HEREDITARIA. Identifiers: Orphanet 647815, MedGen C1835697, MONDO:0007849, OMIM 148200.
Familial amyloid nephropathy with urticaria AND deafness (MWS). Also called: UDA SYNDROME; URTICARIA-DEAFNESS-AMYLOIDOSIS SYNDROME; MUCKLE-WELLS SYNDROME; Urticaria, deafness and amyloidosis; CRYOPYRIN-ASSOCIATED PERIODIC SYNDROME 2. Identifiers: Orphanet 575, MedGen C0268390, MONDO:0008633, OMIM 191900.
Cryopyrin associated periodic syndrome (CAPS). Identifiers: Orphanet 208650, MedGen C2316212, MONDO:0016168.

Allele frequency attached by ClinVar (database versions not stated): ExAC 0.00004; gnomAD exomes below 0.00001; gnomAD 0.00004; ESP Exome Variant Server 0.00008; TOPMed 0.00005.
gnomAD v4.1: 11 of 1,613,958 alleles (0.00068%); highest among the groups gnomAD compares: African/African-American, 0.012%; no homozygotes.

Submissions (4):

GeneDx
Classification: Uncertain significance. Last evaluated: 2026-01-29. Review status: criteria provided, single submitter. Criteria: GeneDx Variant Classification Process June 2021. Collection method: clinical testing. Allele origin: germline.
Comment: In silico analysis suggests that this missense variant does not alter protein structure/function; Has not been previously published as pathogenic or benign to our knowledge; Also known as p.H954Y

Labcorp Genetics (formerly Invitae), Labcorp
Classification: Uncertain significance for Cryopyrin associated periodic syndrome. Last evaluated: 2025-12-26. Review status: criteria provided, single submitter. Criteria: Invitae Variant Classification Sherloc (09022015). Collection method: clinical testing. Allele origin: germline.
Comment: This sequence change replaces histidine, which is basic and polar, with tyrosine, which is neutral and polar, at codon 956 of the NLRP3 protein (p.His956Tyr). This variant is present in population databases (rs372087108, gnomAD 0.03%). This variant has not been reported in the literature in individuals affected with NLRP3-related conditions. ClinVar contains an entry for this variant (Variation ID: 2145633). Invitae Evidence Modeling of protein sequence and biophysical properties (such as structural, functional, and spatial information, amino acid conservation, physicochemical variation, residue mobility, and thermodynamic stability) has been performed for this missense variant. However, the output from this modeling did not meet the statistical confidence thresholds required to predict the impact of this variant on NLRP3 protein function. In summary, the available evidence is currently insufficient to determine the role of this variant in disease. Therefore, it has been classified as a Variant of Uncertain Significance.

Fulgent Genetics
Classification: Uncertain significance for Familial cold autoinflammatory syndrome 1; Keratitis fugax hereditaria; Familial amyloid nephropathy with urticaria AND deafness; Chronic infantile neurological, cutaneous and articular syndrome; Hearing loss, autosomal dominant 34, with or without inflammation. Last evaluated: 2024-06-25. Review status: criteria provided, single submitter. Criteria: ACMG Guidelines, 2015. Collection method: clinical testing. Allele origin: germline.

Ambry Genetics
Classification: Uncertain significance for Inborn genetic diseases. Last evaluated: 2023-12-16. Review status: criteria provided, single submitter. Criteria: Ambry Variant Classification Scheme 2023. Collection method: clinical testing. Allele origin: germline.